The following is an entry in ClinVar:

ClinVar aggregate classification (germline): Uncertain significance (1 of 4 stars; one submission).

Conditions:
NCOA1-related disorder. Also called: NCOA1-related condition.

gnomAD v4.1: 23 of 1,613,996 alleles (0.0014%); highest among the groups gnomAD compares: East Asian, 0.0045%; 1 homozygote.

Submission:

PreventionGenetics, part of Exact Sciences
Classification: Uncertain significance for NCOA1-related condition. Last evaluated: 2026-02-26. Review status: criteria provided, single submitter. Criteria: ACMG Guidelines, 2015. Collection method: clinical testing. Allele origin: germline.
Comment: The NCOA1 c.770C>T variant is predicted to result in the amino acid substitution p.Thr257Met. To our knowledge, this variant has not been reported in the literature. This variant is reported in 0.011% of alleles in individuals of East Asian descent in gnomAD. At this time, the clinical significance of this variant is uncertain due to the absence of conclusive functional and genetic evidence.

NM_003743.5(NCOA1):c.770C>T (p.Thr257Met)

Gene: NCOA1 (nuclear receptor coactivator 1; plus strand). Cytogenetic location: 2p23.3.
Variant type: single nucleotide variant.
Coding change: c.770C>T on transcript NM_003743.5 (MANE Select); coding-DNA position 770, C replaced by T.
Protein change: p.Thr257Met; replaces threonine 257 with methionine.
Molecular consequence: missense variant.
Genome position (GRCh38, 1-based): chr2:24,693,309, C>T. VCF-style: chr2-24693309-C-T. GRCh37 (hg19) VCF-style: chr2-24916178-C-T.
Other names: c.770C>T, p.Thr257Met (NM_001362950.1, NM_001362952.1, NM_001362954.1 and 3 more transcripts); short protein forms T257M.
Identifiers: ClinVar variation 4988662 (VCV004988662.1).